The following is an entry in ClinVar:

ClinVar aggregate classification (germline): Benign. Review status: criteria provided, multiple submitters, no conflicts (2 of 4 stars). 2 submissions from 2 submitters: Benign (2). Last evaluated 2018-06-18.

Allele frequency attached by ClinVar (database versions not stated): gnomAD 0.73785 and 0.74811; TOPMed 0.73922; 1000 Genomes Project 30x 0.76593; 1000 Genomes Project 0.77656; gnomAD exomes 0.81425.
gnomAD v4.1: 247,869 of 316,934 alleles (78%); highest among the groups gnomAD compares: East Asian, 92%; 98,534 homozygotes.

Submissions (2):

GeneDx
Classification: Benign. Last evaluated: 2018-06-18. Review status: criteria provided, single submitter. Criteria: GeneDx Variant Classification (06012015). Collection method: clinical testing. Allele origin: germline. Affected: yes.
Comment: This variant is considered likely benign or benign based on one or more of the following criteria: it is a conservative change, it occurs at a poorly conserved position in the protein, it is predicted to be benign by multiple in silico algorithms, and/or has population frequency not consistent with disease.

Breakthrough Genomics
Classification: Benign. Review status: criteria provided, single submitter. Criteria: ACMG Guidelines, 2015. Collection method: not provided. Allele origin: germline. Inheritance: Autosomal recessive inheritance. Affected: yes.

NM_001077365.2(POMT1):c.856-299T>A

Gene: POMT1 (protein O-mannosyltransferase 1; plus strand). Cytogenetic location: 9q34.13.
Variant type: single nucleotide variant.
Coding change: c.856-299T>A on transcript NM_001077365.2 (MANE Select); 299 bases into the intron before coding-DNA position 856, T replaced by A.
Molecular consequence: intron variant.
Genome position (GRCh38, 1-based): chr9:131,511,038, T>A. VCF-style: chr9-131511038-T-A. GRCh37 (hg19) VCF-style: chr9-134386425-T-A.
Other names: c.760-299T>A (NM_001353198.2, NM_001353197.2); c.922-299T>A (NM_001353193.2, NM_007171.4); c.856-299T>A (NM_001136113.2, NM_001374690.1); c.694-299T>A (NM_001353194.2, NM_001077366.2, NM_001374693.1); c.505-299T>A (NM_001374691.1, NM_001353195.2, NM_001374692.1 and 1 more transcripts); c.766-299T>A (NM_001353196.2); c.466-299T>A (NM_001374695.1); c.839-299T>A (NM_001374689.1); and 2 more.
Identifiers: ClinVar variation 683942 (VCV000683942.2), dbSNP rs10901064, ClinGen allele CA12973355.